The following is an entry in ClinVar:

NC_000013.11:g.48303740A>T

Gene: RB1 (RB transcriptional corepressor 1; plus strand). Cytogenetic location: 13q14.2.
Variant type: single nucleotide variant.
Genome position: GRCh38 VCF-style: chr13-48303740-A-T. GRCh37 (hg19) VCF-style: chr13-48877876-A-T.
Identifiers: ClinVar variation 2875377 (VCV002875377.3), dbSNP rs540991389, ClinGen allele CA249841999.
Genomic context (GRCh38, chr13:48,303,740, plus strand): 5'-GGGCCCGGGAGCCTCGCGGACGTGACGCCGCGGGCGGAAGTGACGTTTTCCCGCGGTTGG[A>T]CGCGGCGCTCAGTTGCCGGGCGGGGGAGGGCGCGTCCGGTTTTTCTCAGGGGACGTTGAA-3'

ClinVar aggregate classification (germline): Uncertain significance (1 of 4 stars; one submission).

Conditions:
Retinoblastoma (RB1). Also called: RETINOBLASTOMA, SOMATIC. Identifiers: Orphanet 790, MedGen C0035335, MeSH D012175, MONDO:0008380, OMIM 180200, HP:0009919. Disease mechanism: loss of function. Inheritance: Both sporadic and heritable forms are tested..

Allele frequency attached by ClinVar (database versions not stated): gnomAD 0.00003; 1000 Genomes Project 0.00020; 1000 Genomes Project 30x 0.00031; gnomAD exomes 0.00001; TOPMed 0.00001.

Submission:

Labcorp Genetics (formerly Invitae), Labcorp
Classification: Uncertain significance for Retinoblastoma. Last evaluated: 2025-08-01. Review status: criteria provided, single submitter. Criteria: Invitae Variant Classification Sherloc (09022015). Collection method: clinical testing. Allele origin: germline.
Comment: This variant occurs in a non-coding region of the RB1 gene. It does not change the encoded amino acid sequence of the RB1 protein. This variant is not present in population databases (gnomAD no frequency). This variant has not been reported in the literature in individuals affected with RB1-related conditions. Experimental studies and prediction algorithms are not available or were not evaluated, and the functional significance of this variant is currently unknown. In summary, the available evidence is currently insufficient to determine the role of this variant in disease. Therefore, it has been classified as a Variant of Uncertain Significance.